The following is an entry in ClinVar:

NM_006947.4(SRP72):c.1957C>T (p.Pro653Ser)

Gene: SRP72 (signal recognition particle 72; plus strand). Cytogenetic location: 4q12.
Variant type: single nucleotide variant.
Coding change: c.1957C>T on transcript NM_006947.4 (MANE Select); coding-DNA position 1957, C replaced by T.
Protein change: p.Pro653Ser; replaces proline 653 with serine.
Molecular consequence: missense variant. On other transcripts: non-coding transcript variant (1).
Genome position (GRCh38, 1-based): chr4:56,501,802, C>T. VCF-style: chr4-56501802-C-T. GRCh37 (hg19) VCF-style: chr4-57367968-C-T.
Other names: c.1774C>T, p.Pro592Ser (NM_001267722.2); short protein forms P653S, P592S.
Identifiers: ClinVar variation 2082515 (VCV002082515.4), dbSNP rs2545778191, ClinGen allele CA357003832.

ClinVar aggregate classification (germline): Uncertain significance (1 of 4 stars; one submission).

Submission:

Labcorp Genetics (formerly Invitae), Labcorp
Classification: Uncertain significance. Last evaluated: 2022-01-14. Review status: criteria provided, single submitter. Criteria: Invitae Variant Classification Sherloc (09022015). Collection method: clinical testing. Allele origin: germline.
Comment: This sequence change replaces proline, which is neutral and non-polar, with serine, which is neutral and polar, at codon 653 of the SRP72 protein (p.Pro653Ser). This variant is not present in population databases (gnomAD no frequency). This variant has not been reported in the literature in individuals affected with SRP72-related conditions. Algorithms developed to predict the effect of missense changes on protein structure and function (SIFT, PolyPhen-2, Align-GVGD) all suggest that this variant is likely to be tolerated. In summary, the available evidence is currently insufficient to determine the role of this variant in disease. Therefore, it has been classified as a Variant of Uncertain Significance.